The following is an entry in ClinVar:

ClinVar aggregate classification (germline): Conflicting classifications of pathogenicity. Review status: criteria provided, conflicting classifications (1 of 4 stars). 3 submissions from 3 submitters: Uncertain significance (2); Likely benign (1). Last evaluated 2025-09-24.

Allele frequency attached by ClinVar (database versions not stated): ExAC 0.00001; gnomAD 0.00001; gnomAD exomes 0.00001 and 0.00002; TOPMed 0.00003.

Submissions (3):

Labcorp Genetics (formerly Invitae), Labcorp
Classification: Likely benign. Last evaluated: 2025-09-24. Review status: criteria provided, single submitter. Criteria: Invitae Variant Classification Sherloc (09022015). Collection method: clinical testing. Allele origin: germline.

Women's Health and Genetics/Laboratory Corporation of America, LabCorp
Classification: Uncertain significance. Last evaluated: 2024-12-16. Review status: criteria provided, single submitter. Criteria: LabCorp Variant Classification Summary - May 2015. Collection method: clinical testing. Allele origin: germline.
Comment: Variant summary: ADGRV1 c.2021A>G (p.Tyr674Cys) results in a non-conservative amino acid change located in the CalX-like domain (IPR038081) of the encoded protein sequence. Four of five in-silico tools predict a benign effect of the variant on protein function. The variant allele was found at a frequency of 2.1e-05 in 242476 control chromosomes. The available data on variant occurrences in the general population are insufficient to allow any conclusion about variant significance. To our knowledge, no occurrence of c.2021A>G in individuals affected with Usher Syndrome and no experimental evidence demonstrating its impact on protein function have been reported. ClinVar contains an entry for this variant (Variation ID: 211098). Based on the evidence outlined above, the variant was classified as uncertain significance.

Genetic Services Laboratory, University of Chicago
Classification: Uncertain significance. Last evaluated: 2014-12-16. Review status: criteria provided, single submitter. Criteria: ACMG Guidelines, 2015. Collection method: clinical testing. Allele origin: germline.

NM_032119.4(ADGRV1):c.2021A>G (p.Tyr674Cys)

Gene: ADGRV1 (adhesion G protein-coupled receptor V1; plus strand). Cytogenetic location: 5q14.3.
Variant type: single nucleotide variant.
Coding change: c.2021A>G on transcript NM_032119.4 (MANE Select); coding-DNA position 2021, A replaced by G.
Protein change: p.Tyr674Cys; replaces tyrosine 674 with cysteine.
Molecular consequence: missense variant. On other transcripts: non-coding transcript variant (1).
Genome position (GRCh38, 1-based): chr5:90,637,729, A>G. VCF-style: chr5-90637729-A-G. GRCh37 (hg19) VCF-style: chr5-89933546-A-G.
Other names: short protein forms Y674C.
Identifiers: ClinVar variation 211098 (VCV000211098.11), dbSNP rs761220696, ClinGen allele CA207849.